The following is an entry in ClinVar:

ClinVar aggregate classification (germline): Likely pathogenic (1 of 4 stars; one submission).

Conditions:
Intellectual developmental disorder 62. Also called: INTELLECTUAL DEVELOPMENTAL DISORDER, AUTOSOMAL DOMINANT 62; MENTAL RETARDATION, AUTOSOMAL DOMINANT 62. Identifiers: MedGen C5394083, MONDO:0032919, OMIM 618793.

Submission:

3billion
Classification: Likely pathogenic for Intellectual developmental disorder 62. Last evaluated: 2021-10-02. Review status: criteria provided, single submitter. Criteria: ACMG Guidelines, 2015. Collection method: clinical testing. Allele origin: unknown. Affected: yes. Observed: 1 heterozygote.
Comment: Canonical splice site: predicted to alter splicing and result in a loss or disruption of normal protein function through nonsense-mediated decay (NMD) or protein truncation. Multiple pathogenic variants are reported downstream of the variant (PVS1_VS). It is not observed in the gnomAD v2.1.1 dataset (PM2). Therefore, this variant is classified as likely pathogenic according to the recommendation of ACMG/AMP guideline.

NM_001321075.3(DLG4):c.1479-2A>G

Gene: DLG4 (discs large MAGUK scaffold protein 4; minus strand). Cytogenetic location: 17p13.1.
Variant type: single nucleotide variant.
Coding change: c.1479-2A>G on transcript NM_001321075.3 (MANE Select); the canonical splice acceptor site of the intron before coding-DNA position 1479, A replaced by G.
Molecular consequence: splice acceptor variant.
Genome position (GRCh38, 1-based): chr17:7,194,002, T>C on the plus strand (A>G on the coding strand, the complement: DLG4 is on the minus strand). VCF-style: chr17-7194002-T-C. GRCh37 (hg19) VCF-style: chr17-7097321-T-C.
Other names: c.1608-2A>G (NM_001365.5); c.1470-2A>G (NM_001128827.4); c.1398-2A>G (NM_001369566.3); c.1299-2A>G (NM_001321077.3, NM_001321076.3); c.1599-2A>G (NM_001321074.1).
Identifiers: ClinVar variation 1320093 (VCV001320093.1), dbSNP rs2142828286, ClinGen allele CA397715501.